The following is an entry in ClinVar:

ClinVar aggregate classification (germline): Conflicting classifications of pathogenicity. Review status: criteria provided, conflicting classifications (1 of 4 stars). 4 submissions from 4 submitters: Uncertain significance (2); Benign (1). 1 of the submissions does not count toward it. Last evaluated 2024-06-11.

Conditions:
Hypogonadotropic hypogonadism 5 with or without anosmia (KAL5). Also called: CHD7-Related GnRH Deficiency (Kallmann Syndrome 5); HYPOGONADOTROPIC HYPOGONADISM 5 WITH ANOSMIA; HYPOGONADOTROPHIC HYPOGONADISM 5 WITHOUT ANOSMIA. Identifiers: Orphanet 478, MedGen C3552553, MONDO:0012880, OMIM 612370. Disease mechanism: loss of function.
CHARGE syndrome (CHARGE). Also called: Hittner Hirsch Kreh syndrome; CHARGE ASSOCIATION--COLOBOMA, HEART ANOMALY, CHOANAL ATRESIA, RETARDATION, GENITAL AND EAR ANOMALIES; Coloboma, heart anomaly, choanal atresia, retardation, genital and ear anomalies; CHARGE association; Hall-Hittner syndrome. Identifiers: Orphanet 138, MedGen C0265354, MONDO:0008965.
CHD7-related disorder. Also called: CHD7-related condition.
Inborn genetic diseases. Identifiers: MedGen C0950123, MeSH D030342.

Allele frequency attached by ClinVar (database versions not stated): TOPMed 0.00001; ExAC 0.00002.
gnomAD v4.1: 45 of 1,610,408 alleles (0.0028%); highest among the groups gnomAD compares: Non-Finnish European, 0.0035%; no homozygotes.

Submissions (4):

Fulgent Genetics
Classification: Uncertain significance for CHD7-related CHARGE syndrome; Hypogonadotropic hypogonadism 5 with or without anosmia. Last evaluated: 2024-06-11. Review status: criteria provided, single submitter. Criteria: ACMG Guidelines, 2015. Collection method: clinical testing. Allele origin: germline.

Labcorp Genetics (formerly Invitae), Labcorp
Classification: Benign for CHARGE syndrome. Last evaluated: 2024-05-06. Review status: criteria provided, single submitter. Criteria: Invitae Variant Classification Sherloc (09022015). Collection method: clinical testing. Allele origin: germline.

Ambry Genetics
Classification: Uncertain significance for Inborn genetic diseases. Last evaluated: 2023-05-08. Review status: criteria provided, single submitter. Criteria: Ambry Variant Classification Scheme 2023. Collection method: clinical testing. Allele origin: germline.

PreventionGenetics, part of Exact Sciences
Classification: Likely benign for CHD7-related condition. Last evaluated: 2024-02-19. Review status: no assertion criteria provided. Collection method: clinical testing. Allele origin: germline. Not counted in ClinVar's aggregate classification.
Comment: This variant is classified as likely benign based on ACMG/AMP sequence variant interpretation guidelines (Richards et al. 2015 PMID: 25741868, with internal and published modifications).

NM_017780.4(CHD7):c.8176G>A (p.Ala2726Thr)

Gene: CHD7 (chromodomain helicase DNA binding protein 7; plus strand). Cytogenetic location: 8q12.2.
Variant type: single nucleotide variant.
Coding change: c.8176G>A on transcript NM_017780.4 (MANE Select); coding-DNA position 8176, G replaced by A.
Protein change: p.Ala2726Thr; replaces alanine 2726 with threonine.
Molecular consequence: missense variant.
Genome position (GRCh38, 1-based): chr8:60,865,115, G>A. VCF-style: chr8-60865115-G-A. GRCh37 (hg19) VCF-style: chr8-61777674-G-A.
Other names: c.8176G>A (NM_017780.3); c.2029G>A, p.Ala677Thr (NM_001316690.1); short protein forms A677T, A2726T.
Identifiers: ClinVar variation 2073337 (VCV002073337.9), dbSNP rs749452262, ClinGen allele CA4760960.